The following is an entry in ClinVar:

ClinVar aggregate classification (germline): Uncertain significance. Review status: criteria provided, multiple submitters, no conflicts (2 of 4 stars). 2 submissions from 2 submitters: Uncertain significance (2). Last evaluated 2024-11-27.

Conditions:
Fanconi anemia complementation group G. Also called: Fanconi anemia group G; FANCG-Related Fanconi Anemia. Identifiers: Orphanet 84, MedGen C3469527, MONDO:0013565, OMIM 614082.
Inborn genetic diseases. Identifiers: MedGen C0950123, MeSH D030342.

gnomAD v4.1: 12 of 1,614,016 alleles (0.00074%); highest among the groups gnomAD compares: Admixed American, 0.017%; no homozygotes.

Submissions (2):

Ambry Genetics
Classification: Uncertain significance for Inborn genetic diseases. Last evaluated: 2024-11-27. Review status: criteria provided, single submitter. Criteria: Ambry Variant Classification Scheme 2023. Collection method: clinical testing. Allele origin: germline.
Comment: The p.P186S variant (also known as c.556C>T), located in coding exon 5 of the FANCG gene, results from a C to T substitution at nucleotide position 556. The proline at codon 186 is replaced by serine, an amino acid with similar properties. This amino acid position is conserved. In addition, the in silico prediction for this alteration is inconclusive. Based on the available evidence, the clinical significance of this variant remains unclear.

Fulgent Genetics
Classification: Uncertain significance for Fanconi anemia complementation group G. Last evaluated: 2024-04-18. Review status: criteria provided, single submitter. Criteria: ACMG Guidelines, 2015. Collection method: clinical testing. Allele origin: germline.

NM_004629.2(FANCG):c.556C>T (p.Pro186Ser)

Gene: FANCG (FA complementation group G; minus strand). Cytogenetic location: 9p13.3.
Variant type: single nucleotide variant.
Coding change: c.556C>T on transcript NM_004629.2 (MANE Select); coding-DNA position 556, C replaced by T.
Protein change: p.Pro186Ser; replaces proline 186 with serine.
Molecular consequence: missense variant.
Genome position (GRCh38, 1-based): chr9:35,077,354, G>A on the plus strand (C>T on the coding strand, the complement: FANCG is on the minus strand). VCF-style: chr9-35077354-G-A. GRCh37 (hg19) VCF-style: chr9-35077351-G-A.
Other names: short protein forms P186S.
Identifiers: ClinVar variation 3512852 (VCV003512852.2).
Genomic context (GRCh38, chr9:35,077,354, plus strand): 5'-CATCCTTCAATCCCTGGGCATCCTGCAGGGTCAATGGAGCATCTAATTCCTCAGCTGGGG[G>A]ACTCCAAGTTTTCAGAAGTAACAGCAGATCCTTAGAGGCTCCACTCTGGGGAAAGAAGGA-3'
Protein context (NP_004620.1, residues 176-196): DLLLLLKTWS[Pro186Ser]PAEELDAPLT